The following is an entry in ClinVar:

ClinVar aggregate classification (germline): Uncertain significance (1 of 4 stars; one submission).

Submission:

GeneDx
Classification: Uncertain significance. Last evaluated: 2024-09-05. Review status: criteria provided, single submitter. Criteria: GeneDx Variant Classification Process June 2021. Collection method: clinical testing. Allele origin: germline. Affected: yes.
Comment: Has not been previously published as pathogenic or benign to our knowledge; Not observed at significant frequency in large population cohorts (gnomAD); In silico analysis indicates that this variant does not alter splicing

NM_003179.3(SYP):c.36+5G>A

Genes: SYP (synaptophysin; minus strand), SYP-AS1 (SYP antisense RNA 1; plus strand), LOC130068281 (ATAC-STARR-seq lymphoblastoid silent region 20843; plus strand). Cytogenetic location: Xp11.23.
Variant type: single nucleotide variant.
Coding change: c.36+5G>A on transcript NM_003179.3 (MANE Select); 5 bases into the intron after coding-DNA position 36, G replaced by A.
Molecular consequence: intron variant.
Genome position (GRCh38, 1-based): chrX:49,200,146, C>T on the plus strand (G>A on the coding strand, the complement: SYP is on the minus strand). VCF-style: chrX-49200146-C-T. GRCh37 (hg19) VCF-style: chrX-49056605-C-T.
Identifiers: ClinVar variation 3767606 (VCV003767606.1).